The following is an entry in ClinVar:

NM_001042492.3(NF1):c.61-14591T>G

Gene: NF1 (neurofibromin 1; plus strand). Cytogenetic location: 17q11.2.
Variant type: single nucleotide variant.
Coding change: c.61-14591T>G on transcript NM_001042492.3 (MANE Select); 14591 bases into the intron before coding-DNA position 61, T replaced by G.
Molecular consequence: intron variant.
Genome position (GRCh38, 1-based): chr17:31,141,392, T>G. VCF-style: chr17-31141392-T-G. GRCh37 (hg19) VCF-style: chr17-29468410-T-G.
Other names: c.61-14591T>G (NM_000267.4, NM_001128147.3).
Identifiers: ClinVar variation 5025610 (VCV005025610.1).

ClinVar aggregate classification (germline): Uncertain significance (1 of 4 stars; one submission).

Conditions:
Cardiovascular phenotype. Identifiers: MedGen CN230736.
Hereditary cancer-predisposing syndrome. Also called: Neoplastic Syndromes, Hereditary; Tumor predisposition; Hereditary neoplastic syndrome; Hereditary Cancer Syndrome. Identifiers: Orphanet 140162, MedGen C0027672, MeSH D009386, MONDO:0015356.

Submission:

Ambry Genetics
Classification: Uncertain significance for Cardiovascular phenotype; Hereditary cancer-predisposing syndrome. Last evaluated: 2026-08-07. Review status: criteria provided, single submitter. Criteria: Ambry Variant Classification Scheme 2023. Collection method: clinical testing. Allele origin: germline.
Comment: The c.61-14591T>G intronic variant results from a T to G substitution 14591 nucleotides upstream from coding exon 2 in the NF1 gene. This nucleotide position is conserved on limited sequence alignment. In silico splice site analysis predicts that this alteration will result in the creation or strengthening of a novel splice donor site. RNA studies have demonstrated that this variant results in a splice defect; the clinical impact of this abnormal splicing is unknown at this time (Ambry internal data). Based on the available evidence, the clinical significance of this variant remains unclear.